The following is an entry in ClinVar:

NC_012920.1(MT-CYB):m.15045G>A

Gene: MT-CYB (mitochondrially encoded cytochrome b; plus strand).
Variant type: single nucleotide variant.
Genome position: chrM-15045-G-A.
Identifiers: ClinVar variation 693814 (VCV000693814.1), dbSNP rs1603225041, ClinGen allele CA645611450.

ClinVar aggregate classification (germline): Uncertain significance (1 of 4 stars; one submission).

Conditions:
Leigh syndrome (NULS). Also called: Leigh's necrotizing encephalopathy; Leigh's disease; Leigh's syndrome; LEIGH SYNDROME, NUCLEAR; Leigh Syndrome (mtDNA deletion); Leigh Disease. Identifiers: Orphanet 506, MedGen C2931891, MONDO:0009723, OMIM 256000.

Submission:

Wong Mito Lab, Molecular and Human Genetics, Baylor College of Medicine
Classification: Uncertain significance for Leigh syndrome. Last evaluated: 2019-10-17. Review status: criteria provided, single submitter. Criteria: Modified ACMG Guidelines (Unpublished). Collection method: clinical testing. Allele origin: germline.
Comment: The NC_012920.1:m.15045G>A (YP_003024038.1:p.Arg100Gln) variant in MTCYB gene is interpretated to be a Uncertain Significance variant based on the modified ACMG guidelines (unpublished). This variant meets the following evidence codes: no criteria